The following is an entry in ClinVar:

NM_005045.4(RELN):c.10182-9G>A

Genes: SLC26A5-AS1 (SLC26A5 antisense RNA 1; plus strand), RELN (reelin; minus strand). Cytogenetic location: 7q22.1.
Variant type: single nucleotide variant.
Coding change: c.10182-9G>A on transcript NM_005045.4 (MANE Select); 9 bases into the intron before coding-DNA position 10182, G replaced by A.
Molecular consequence: intron variant.
Genome position (GRCh38, 1-based): chr7:103,482,980, C>T on the plus strand (G>A on the coding strand, the complement: RELN is on the minus strand). VCF-style: chr7-103482980-C-T. GRCh37 (hg19) VCF-style: chr7-103123427-C-T.
Other names: c.10182-9G>A (NM_173054.3).
Identifiers: ClinVar variation 511943 (VCV000511943.11), dbSNP rs1004382075, ClinGen allele CA163898476.
Genomic context (GRCh38, chr7:103,482,980, plus strand): 5'-ATTGTGGCGTGGTTGCCACCAGCGCAGTAAGACTCCTTTCATCCGTGCCTCCCTGGGTCA[C>T]ACACAGAAGGACAAAGAAGTTATACATTAGGAAACAGAACTTTTTGGTATTTGACTTCTA-3'

ClinVar aggregate classification (germline): Likely benign. Review status: criteria provided, multiple submitters, no conflicts (2 of 4 stars). 2 submissions from 2 submitters: Likely benign (2). Last evaluated 2025-07-15.

Conditions:
Familial temporal lobe epilepsy 7. Identifiers: Orphanet 101046, MedGen C4225327, MONDO:0014639, OMIM 616436.
Norman-Roberts syndrome (LIS2). Also called: Lissencephaly 2 (Norman-Roberts type). Identifiers: Orphanet 89844, MedGen C0796089, MONDO:0009760, OMIM 257320.

Allele frequency attached by ClinVar (database versions not stated): gnomAD exomes below 0.00001; gnomAD 0.00003 and 0.00004; TOPMed 0.00003.
gnomAD v4.1: 9 of 1,612,338 alleles (0.00056%); highest among the groups gnomAD compares: Admixed American, 0.0083%; no homozygotes.

Submissions (2):

Labcorp Genetics (formerly Invitae), Labcorp
Classification: Likely benign for Familial temporal lobe epilepsy 7; Norman-Roberts syndrome. Last evaluated: 2025-07-15. Review status: criteria provided, single submitter. Criteria: Invitae Variant Classification Sherloc (09022015). Collection method: clinical testing. Allele origin: germline.

GeneDx
Classification: Likely benign. Last evaluated: 2017-09-15. Review status: criteria provided, single submitter. Criteria: GeneDx Variant Classification (06012015). Collection method: clinical testing. Allele origin: germline. Affected: yes.
Comment: This variant is considered likely benign or benign based on one or more of the following criteria: it is a conservative change, it occurs at a poorly conserved position in the protein, it is predicted to be benign by multiple in silico algorithms, and/or has population frequency not consistent with disease.